The following is an entry in ClinVar:

NM_013254.4(TBK1):c.1960-7G>T

Gene: TBK1 (TANK binding kinase 1; plus strand). Cytogenetic location: 12q14.2.
Variant type: single nucleotide variant.
Coding change: c.1960-7G>T on transcript NM_013254.4 (MANE Select); 7 bases into the intron before coding-DNA position 1960, G replaced by T.
Molecular consequence: intron variant.
Genome position (GRCh38, 1-based): chr12:64,497,641, G>T. VCF-style: chr12-64497641-G-T. GRCh37 (hg19) VCF-style: chr12-64891421-G-T.
Other names: c.1960-7G>T (LRG_1306t1).
Identifiers: ClinVar variation 542556 (VCV000542556.7), dbSNP rs768189768, ClinGen allele CA6669236.

ClinVar aggregate classification (germline): Likely benign. Review status: criteria provided, multiple submitters, no conflicts (2 of 4 stars). 2 submissions from 2 submitters: Likely benign (2). Last evaluated 2024-04-10.

Conditions:
Frontotemporal dementia and/or amyotrophic lateral sclerosis 4. Also called: FTDALS4. Identifiers: Orphanet 275872, MedGen C4225325, MONDO:0014641, OMIM 616439.

Allele frequency attached by ClinVar (database versions not stated): ExAC 0.00072.

Submissions (2):

Labcorp Genetics (formerly Invitae), Labcorp
Classification: Likely benign for Frontotemporal dementia and/or amyotrophic lateral sclerosis 4. Last evaluated: 2024-04-10. Review status: criteria provided, single submitter. Criteria: Invitae Variant Classification Sherloc (09022015). Collection method: clinical testing. Allele origin: germline.

GeneDx
Classification: Likely benign. Last evaluated: 2018-05-01. Review status: criteria provided, single submitter. Criteria: GeneDx Variant Classification (06012015). Collection method: clinical testing. Allele origin: germline. Affected: yes.
Comment: This variant is considered likely benign or benign based on one or more of the following criteria: it is a conservative change, it occurs at a poorly conserved position in the protein, it is predicted to be benign by multiple in silico algorithms, and/or has population frequency not consistent with disease.